The following is an entry in ClinVar:

ClinVar aggregate classification (germline): Conflicting classifications of pathogenicity. Review status: criteria provided, conflicting classifications (1 of 4 stars). 4 submissions from 4 submitters: Uncertain significance (3); Likely benign (1). Last evaluated 2026-09-02.

Conditions:
Thyroid dyshormonogenesis 6 (TDH6). Also called: Genetic transient congenital hypothyroidism; THYROID HORMONOGENESIS, GENETIC DEFECT IN, 6; HYPOTHYROIDISM, CONGENITAL, DUE TO DYSHORMONOGENESIS, 6. Identifiers: Orphanet 226316, Orphanet 95716, MedGen C1846632, MONDO:0011792, OMIM 607200.

Allele frequency attached by ClinVar (database versions not stated): ExAC 0.00014; gnomAD 0.00014 and 0.00015; gnomAD exomes 0.00017 and 0.00008; TOPMed 0.00013.
gnomAD v4.1: 150 of 1,614,064 alleles (0.0093%); highest among the groups gnomAD compares: Middle Eastern, 0.13%; 2 homozygotes.

Submissions (4):

GeneDx
Classification: Uncertain significance. Last evaluated: 2026-09-02. Review status: criteria provided, single submitter. Criteria: GeneDx Variant Classification Process June 2021. Collection method: clinical testing. Allele origin: germline.
Comment: Identified in the heterozygous state with a second DUOX2 variant in individuals with congenital hypothyroidism in the published literature; however, phase was not know in some cases and these individuals also harbored a variant in another gene associated with hypothyroidism (PMID: 32425884, 29435108, 39126042, 34780050); Identified as heterozygous in multiple individuals with congenital hypothyroidism in the published literature; however, some of these individuals had variants in other genes associated with congenital hypothyrodism (PMID: 27525530, 29435108, 42112595); In silico analysis supports that this missense variant has a deleterious effect on protein structure/function; This variant is associated with the following publications: (PMID: 34200080, 34426522, 29435108, 28414800, 27421132, 32803677, 27525530, 42112595, 40426715, 32425884, 39126042, 34780050)

Labcorp Genetics (formerly Invitae), Labcorp
Classification: Likely benign. Last evaluated: 2026-01-13. Review status: criteria provided, single submitter. Criteria: Invitae Variant Classification Sherloc (09022015). Collection method: clinical testing. Allele origin: germline.

Genetics and Molecular Pathology, SA Pathology
Classification: Uncertain significance for Thyroid dyshormonogenesis 6. Last evaluated: 2023-07-04. Review status: criteria provided, single submitter. Criteria: ACMG Guidelines, 2015. Collection method: clinical testing. Allele origin: germline. Inheritance: Autosomal recessive inheritance. Affected: yes.
Comment: The DUOX2 c.1060C>T variant is classified as a VUS (PM2, PS3_Supporting) The DUOX2 c.1060C>T variant is a single nucleotide change in exon 10/34 of the DUOX2 gene, which is predicted to change the amino acid arginine at position 354 in the protein to tryptophan. The variant is rare in population databases (gnomAD allele frequency = 0.015%; 23 het and 0 hom in 152,158 sequenced alleles) (PM2). Functional studies show a deleterious effect of this variant; however, additional functional evidence is required to confirm its impact on protein function (PMID: 29435108) (PS3_supporting). The variant has been reported in dbSNP (rs766496010) and in the HGMD database as disease causing (CM1610813). It has been reported as conflicting interpretations of pathogenicity by other diagnostic laboratories (ClinVar Variation ID: 1339735). The variant has been reported multiple times in the literature in individuals with congenital hypothyroidism and goitre, it has also been detected in unaffected relatives. The variant has been reported as compound heterozygous with a second DUOX2 variant and in individuals with variants in other genes associated with hypothyroidism (PMID: 29435108, 32803677, 32425884, 34780050, 27525530). Therefore, the effect of this variant on the resulting protein function and its clinical significance remains uncertain.

Women's Health and Genetics/Laboratory Corporation of America, LabCorp
Classification: Uncertain significance. Last evaluated: 2022-01-21. Review status: criteria provided, single submitter. Criteria: LabCorp Variant Classification Summary - May 2015. Collection method: clinical testing. Allele origin: germline.
Comment: Variant summary: DUOX2 c.1060C>T (p.Arg354Trp) results in a non-conservative amino acid change located in the peroxidase domain (IPR034821) of the encoded protein sequence. Four of five in-silico tools predict a damaging effect of the variant on protein function. The variant allele was found at a frequency of 0.00017 in 251466 control chromosomes (gnomAD). This frequency doesn't allow conclusions about variant significance. The variant c.1060C>T has been reported in the literature in heterozygous state in a family where transient neonatal hypothyroidism was diagnosed in 3 children, however one of the children didn't carry the variant (Liu_2018, Li_2021). The variant of interest was also reported in two adults affected with hypothyroidism (Wang_2020), however in both of these cases the presence of other variants was noted. These reports do not provide unequivocal conclusions about association of the variant with Thyroid Dyshormonogenesis 6. At least one publication reported experimental evidence evaluating an impact on protein function, and demonstrated that the variant resulted in a significantly reduced ability to produce H2O2, and the variant protein was more rapidly degraded than the WT when expressed in 293T cells (Liu_2018). No clinical diagnostic laboratories have submitted clinical-significance assessments for this variant to ClinVar after 2014. Based on the evidence outlined above, the variant was classified as VUS-possibly pathogenic.

Literature cited by the submitters: PubMed 27525530 (cited by Genetics and Molecular Pathology, SA Pathology and Women's Health and Genetics/Laboratory Corporation of America, LabCorp); PubMed 29435108 (cited by Genetics and Molecular Pathology, SA Pathology and Women's Health and Genetics/Laboratory Corporation of America, LabCorp); PubMed 32425884 (cited by Genetics and Molecular Pathology, SA Pathology and Women's Health and Genetics/Laboratory Corporation of America, LabCorp); PubMed 32803677 (cited by Genetics and Molecular Pathology, SA Pathology and Women's Health and Genetics/Laboratory Corporation of America, LabCorp); PubMed 34780050 (cited by Genetics and Molecular Pathology, SA Pathology).

NM_001363711.2(DUOX2):c.1060C>T (p.Arg354Trp)

Gene: DUOX2 (dual oxidase 2; minus strand). Cytogenetic location: 15q21.1.
Variant type: single nucleotide variant.
Coding change: c.1060C>T on transcript NM_001363711.2 (MANE Select); coding-DNA position 1060, C replaced by T.
Protein change: p.Arg354Trp; replaces arginine 354 with tryptophan.
Molecular consequence: missense variant.
Genome position (GRCh38, 1-based): chr15:45,109,961, G>A on the plus strand (C>T on the coding strand, the complement: DUOX2 is on the minus strand). VCF-style: chr15-45109961-G-A. GRCh37 (hg19) VCF-style: chr15-45402159-G-A.
Other names: c.1060C>T, p.Arg354Trp (NM_014080.5); short protein forms R354W.
Identifiers: ClinVar variation 1339735 (VCV001339735.10), dbSNP rs766496010, ClinGen allele CA7538756.